The following is an entry in ClinVar:

ClinVar aggregate classification (germline): Uncertain significance (1 of 4 stars; one submission).

gnomAD v4.1: 1 of 1,614,252 alleles (0.000062%); highest among the groups gnomAD compares: Non-Finnish European, 0.000085%; no homozygotes.

Submission:

Laboratory for Molecular Medicine, Mass General Brigham Personalized Medicine
Classification: Uncertain significance. Last evaluated: 2015-04-10. Review status: criteria provided, single submitter. Criteria: LMM Criteria. Collection method: clinical testing. Allele origin: germline. Observed: 1 variant allele.
Comment: Variant classified as Uncertain Significance - Favor Benign. The p.Thr35Ser vari ant in MYH6 has not been previously reported in individuals with cardiomyopathy or in large population studies. Threonine (Thr) at position 35 is not conserved in mammals or evolutionarily distant species and >10 birds and reptiles carry a serine (Ser) at this position, raising the possibility that this change may be t olerated. In summary, while the clinical significance of the p.Thr35Ser variant is uncertain, the presence of the variant amino acid in multiple other species s uggests that that it is more likely to be benign.

NM_002471.4(MYH6):c.104C>G (p.Thr35Ser)

Genes: MYH6 (myosin heavy chain 6; minus strand), LOC114827851 (VISTA enhancer hs2155; plus strand). Cytogenetic location: 14q11.2.
Variant type: single nucleotide variant.
Coding change: c.104C>G on transcript NM_002471.4 (MANE Select); coding-DNA position 104, C replaced by G.
Protein change: p.Thr35Ser; replaces threonine 35 with serine.
Molecular consequence: missense variant.
Genome position (GRCh38, 1-based): chr14:23,407,120, G>C on the plus strand (C>G on the coding strand, the complement: MYH6 is on the minus strand). VCF-style: chr14-23407120-G-C. GRCh37 (hg19) VCF-style: chr14-23876329-G-C.
Other names: short protein forms T35S.
Identifiers: ClinVar variation 228884 (VCV000228884.4), dbSNP rs876657875, ClinGen allele CA10576949.
Genomic context (GRCh38, chr14:23,407,120, plus strand): 5'-TCCCGGGACAAAATCTTGGCTTTGACAAACTCTTCCTTGTCATCGGGCACGAAGCACTCA[G>C]TGCGAATGTCAAAGGGCCGGGTCTGGGCCTCTAGACGCTCCTTCTCTGACTTGCGGAGGT-3'
Protein context (NP_002462.2, residues 25-45): EAQTRPFDIR[Thr35Ser]ECFVPDDKEE